The following is an entry in ClinVar:

ClinVar aggregate classification (germline): Uncertain significance (1 of 4 stars; one submission).

Conditions:
Fabry disease. Also called: ALPHA-GALACTOSIDASE A DEFICIENCY; ANDERSON-FABRY DISEASE; CERAMIDE TRIHEXOSIDASE DEFICIENCY; GLA DEFICIENCY; HEREDITARY DYSTOPIC LIPIDOSIS; Angiokeratoma corporis diffusum. Identifiers: Orphanet 324, MedGen C0002986, MONDO:0010526, OMIM 301500, HP:0001071. Disease mechanism: Fabry disease is due to inactivating mutations in the X-linked GLA gene resulting in deficiency of the enzyme Alpha Galactosidase-A., loss of function.

Submission:

Genomenon, Inc
Classification: Uncertain significance for Fabry disease. Last evaluated: 2026-09-08. Review status: criteria provided, single submitter. Criteria: Genomenon Sequence Variant Interpretation Standards - Updated. Collection method: curation. Allele origin: germline. Affected: no.
Comment: GLA c.640-830T>C is an intronic variant located in intron 4. This variant has been reported in the published literature (PMID:28615118;24613481;37254000). It is absent or not present at a significant frequency in gnomAD. In silico models predict that this variant is possibly or probably damaging. In conclusion, we classify GLA c.640-830T>C as a variant of uncertain significance.

Literature cited by the submitters: PubMed 28615118; PubMed 24613481; PubMed 37254000.

NM_000169.3(GLA):c.640-830T>C

Genes: GLA (galactosidase alpha; minus strand), RPL36A-HNRNPH2 (RPL36A-HNRNPH2 readthrough; plus strand). Cytogenetic location: Xq22.1.
Variant type: single nucleotide variant.
Coding change: c.640-830T>C on transcript NM_000169.3 (MANE Select); 830 bases into the intron before coding-DNA position 640, T replaced by C.
Molecular consequence: intron variant. On other transcripts: non-coding transcript variant (1).
Genome position (GRCh38, 1-based): chrX:101,399,776, A>G on the plus strand (T>C on the coding strand, the complement: GLA is on the minus strand). VCF-style: chrX-101399776-A-G. GRCh37 (hg19) VCF-style: chrX-100654764-A-G.
Other names: c.300+4319A>G (NM_001199973.2); c.177+7954A>G (NM_001199974.2); c.763-830T>C (NM_001406747.1); c.640-830T>C (NM_001406748.1).
Identifiers: ClinVar variation 4087119 (VCV004087119.2).
Genomic context (GRCh38, chrX:101,399,776, plus strand): 5'-ACAAGGTCCCTGCCCTCATGAAACTTACACTCTAGTGGGGAGACATGGTAACAAGTCAAC[A>G]AATACTTCCAAATAGTGTGGAGCTCTGAGAAGAAAATTAAACAGGTTAATGTGATGAAGA-3'